The following is an entry in ClinVar:

ClinVar aggregate classification (germline): Uncertain significance (1 of 4 stars; one submission).

Conditions:
Familial intrahepatic cholestasis. Identifiers: Orphanet 284385, MedGen CN296401, MONDO:0017290.
Low phospholipid associated cholelithiasis (GBD1). Also called: Gallbladder disease 1; Gallstone cholecystitis. Identifiers: Orphanet 69663, MedGen C2609268, MONDO:0010939, OMIM 600803.

Submission:

Genomenon, Inc
Classification: Uncertain significance for Familial intrahepatic cholestasis; Low phospholipid associated cholelithiasis. Last evaluated: 2026-04-14. Review status: criteria provided, single submitter. Criteria: Genomenon Sequence Variant Interpretation Standards - Updated. Collection method: curation. Allele origin: germline. Affected: yes.
Comment: ABCB4 c.3081+5G>C is an intronic variant located in the donor splice region of intron 24. This variant has been observed in at least one proband with an ABCB4-related disorder (PMID:37701337;36277956). It is absent or not present at a significant frequency in gnomAD. In silico models predict that this variant is possibly or probably damaging. In conclusion, we classify ABCB4 c.3081+5G>C as a variant of uncertain significance.

Literature cited by the submitters: PubMed 37701337; PubMed 36277956.

NM_000443.4(ABCB4):c.3081+5G>C

Gene: ABCB4 (ATP binding cassette subfamily B member 4; minus strand). Cytogenetic location: 7q21.12.
Variant type: single nucleotide variant.
Coding change: c.3081+5G>C on transcript NM_000443.4 (MANE Select); 5 bases into the intron after coding-DNA position 3081, G replaced by C.
Molecular consequence: intron variant.
Genome position (GRCh38, 1-based): chr7:87,409,231, C>G on the plus strand (G>C on the coding strand, the complement: ABCB4 is on the minus strand). VCF-style: chr7-87409231-C-G. GRCh37 (hg19) VCF-style: chr7-87038547-C-G.
Other names: c.2940+5G>C (NM_018850.3); c.3081+5G>C (NM_018849.3).
Identifiers: ClinVar variation 4846361 (VCV004846361.1).